The following is an entry in ClinVar:

ClinVar aggregate classification (germline): Uncertain significance. Review status: criteria provided, multiple submitters, no conflicts (2 of 4 stars). 4 submissions from 3 submitters: Uncertain significance (4). Last evaluated 2025-08-09.

Conditions:
Inborn genetic diseases. Identifiers: MedGen C0950123, MeSH D030342.
Familial cutaneous telangiectasia and oropharyngeal predisposition cancer syndrome. Identifiers: Orphanet 313846, MedGen C3281203, MONDO:0013806, OMIM 614564.
Seckel syndrome 1 (SCKL1). Also called: MICROCEPHALIC PRIMORDIAL DWARFISM I. Identifiers: Orphanet 808, MedGen C4551474, MONDO:0008869, OMIM 210600.

Allele frequency attached by ClinVar (database versions not stated): TOPMed below 0.00001; gnomAD exomes 0.00001.
gnomAD v4.1: 3 of 1,613,816 alleles (0.00019%); highest among the groups gnomAD compares: Admixed American, 0.0033%; no homozygotes.

Submissions (4):

Ambry Genetics
Classification: Uncertain significance for Inborn genetic diseases. Last evaluated: 2025-08-09. Review status: criteria provided, single submitter. Criteria: Ambry Variant Classification Scheme 2023. Collection method: clinical testing. Allele origin: germline.

Labcorp Genetics (formerly Invitae), Labcorp
Classification: Uncertain significance. Last evaluated: 2024-08-28. Review status: criteria provided, single submitter. Criteria: Invitae Variant Classification Sherloc (09022015). Collection method: clinical testing. Allele origin: germline.
Comment: This sequence change replaces cysteine, which is neutral and slightly polar, with tyrosine, which is neutral and polar, at codon 895 of the ATR protein (p.Cys895Tyr). This variant is present in population databases (no rsID available, gnomAD 0.006%). This variant has not been reported in the literature in individuals affected with ATR-related conditions. ClinVar contains an entry for this variant (Variation ID: 1421415). An algorithm developed to predict the effect of missense changes on protein structure and function (PolyPhen-2) suggests that this variant is likely to be disruptive. In summary, the available evidence is currently insufficient to determine the role of this variant in disease. Therefore, it has been classified as a Variant of Uncertain Significance.

Genome-Nilou Lab
Classification: Uncertain significance for Seckel syndrome 1. Last evaluated: 2023-02-08. Review status: criteria provided, single submitter. Criteria: ACMG Guidelines, 2015. Collection method: clinical testing. Allele origin: germline.

Genome-Nilou Lab
Classification: Uncertain significance for Familial cutaneous telangiectasia and oropharyngeal predisposition cancer syndrome. Last evaluated: 2023-02-08. Review status: criteria provided, single submitter. Criteria: ACMG Guidelines, 2015. Collection method: clinical testing. Allele origin: germline.

NM_001184.4(ATR):c.2684G>A (p.Cys895Tyr)

Gene: ATR (ATR checkpoint kinase; minus strand). Cytogenetic location: 3q23.
Variant type: single nucleotide variant.
Coding change: c.2684G>A on transcript NM_001184.4 (MANE Select); coding-DNA position 2684, G replaced by A.
Protein change: p.Cys895Tyr; replaces cysteine 895 with tyrosine.
Molecular consequence: missense variant.
Genome position (GRCh38, 1-based): chr3:142,553,348, C>T on the plus strand (G>A on the coding strand, the complement: ATR is on the minus strand). VCF-style: chr3-142553348-C-T. GRCh37 (hg19) VCF-style: chr3-142272190-C-T.
Other names: c.2492G>A, p.Cys831Tyr (NM_001354579.2); short protein forms C831Y, C895Y.
Identifiers: ClinVar variation 1421415 (VCV001421415.7), dbSNP rs1202782083, ClinGen allele CA354814746.
Genomic context (GRCh38, chr3:142,553,348, plus strand): 5'-ACCAGAGCTCTAATTTCTGTGTATGCTGCTCCAGAGACAGATGCTGACTTGGATAACAAA[C>T]AATGCAATAAGTGTAAGAGTGCAAATGGTACCAAATCTCCTTTTGCGGCCCTAAAATTAA-3'
Protein context (NP_001175.2, residues 885-905): VPFALLHLLH[Cys895Tyr]LLSKSASVSG